The following is an entry in ClinVar:

NM_000535.7(PMS2):c.2465T>A (p.Leu822His)

Gene: PMS2 (PMS1 homolog 2, mismatch repair system component; minus strand). Cytogenetic location: 7p22.1.
Variant type: single nucleotide variant.
Coding change: c.2465T>A on transcript NM_000535.7 (MANE Select); coding-DNA position 2465, T replaced by A.
Protein change: p.Leu822His; replaces leucine 822 with histidine.
Molecular consequence: missense variant. On other transcripts: non-coding transcript variant (1).
Genome position (GRCh38, 1-based): chr7:5,973,523, A>T on the plus strand (T>A on the coding strand, the complement: PMS2 is on the minus strand). VCF-style: chr7-5973523-A-T. GRCh37 (hg19) VCF-style: chr7-6013154-A-T.
Other names: c.2093T>A, p.Leu698His (NM_001406887.1, NM_001322009.2, NM_001406888.1); c.2060T>A, p.Leu687His (NM_001406899.1, NM_001406897.1, NM_001406898.1 and 11 more transcripts); c.2000T>A, p.Leu667His (NM_001406900.1); c.1991T>A, p.Leu664His (NM_001406901.1, NM_001406902.1); c.1979T>A, p.Leu660His (NM_001406903.1); c.1952T>A, p.Leu651His (NM_001406904.1, NM_001406905.1); c.1904T>A, p.Leu635His (NM_001406906.1, NM_001322010.2, NM_001406907.1); c.1892T>A, p.Leu631His (NM_001406909.1, NM_001406908.1, NM_001322013.2); and 20 more; short protein forms L583H, L651H, L664H, L698H, L714H, L730H, L756H, L781H.
Identifiers: ClinVar variation 3308120 (VCV003308120.1).

ClinVar aggregate classification (germline): Uncertain significance (1 of 4 stars; one submission).

Conditions:
Hereditary cancer-predisposing syndrome. Also called: Tumor predisposition; Hereditary Cancer Syndrome; Hereditary neoplastic syndrome; Neoplastic Syndromes, Hereditary. Identifiers: Orphanet 140162, MedGen C0027672, MeSH D009386, MONDO:0015356.

Submission:

Ambry Genetics
Classification: Uncertain significance for Hereditary cancer-predisposing syndrome. Last evaluated: 2024-06-21. Review status: criteria provided, single submitter. Criteria: Ambry Variant Classification Scheme 2023. Collection method: clinical testing. Allele origin: germline.
Comment: The p.L822H variant (also known as c.2465T>A), located in coding exon 15 of the PMS2 gene, results from a T to A substitution at nucleotide position 2465. The leucine at codon 822 is replaced by histidine, an amino acid with similar properties. This amino acid position is conserved. In addition, this alteration is predicted to be deleterious by in silico analysis. Based on the available evidence, the clinical significance of this variant remains unclear.